The following is an entry in ClinVar:

NM_006439.5(MAB21L2):c.457G>A (p.Ala153Thr)

Genes: LRBA (LPS responsive beige-like anchor protein; minus strand), MAB21L2 (mab-21 like 2; plus strand). Cytogenetic location: 4q31.3.
Variant type: single nucleotide variant.
Coding change: c.457G>A on transcript NM_006439.5 (MANE Select); coding-DNA position 457, G replaced by A.
Protein change: p.Ala153Thr; replaces alanine 153 with threonine.
Molecular consequence: missense variant. On other transcripts: intron variant (6).
Genome position (GRCh38, 1-based): chr4:150,583,486, G>A. VCF-style: chr4-150583486-G-A. GRCh37 (hg19) VCF-style: chr4-151504638-G-A.
Other names: c.6330+4562C>T (NM_001199282.3, NM_001364905.1, NM_001440431.1 and 1 more transcripts); c.6363+4562C>T (NM_001440430.1, NM_006726.5); short protein forms A153T.
Identifiers: ClinVar variation 988081 (VCV000988081.3), dbSNP rs139813980, ClinGen allele CA3102063.

ClinVar aggregate classification (germline): Uncertain significance. Review status: criteria provided, multiple submitters, no conflicts (2 of 4 stars). 2 submissions from 2 submitters: Uncertain significance (2). Last evaluated 2024-09-24.

Conditions:
Colobomatous microphthalmia-rhizomelic dysplasia syndrome (MCSKS). Also called: Microphthalmia/coloboma and skeletal dysplasia syndrome. Identifiers: Orphanet 424099, MedGen C4014540, MONDO:0014380, OMIM 615877.

Allele frequency attached by ClinVar (database versions not stated): ExAC 0.00013; ESP Exome Variant Server 0.00015; 1000 Genomes Project 0.00020; gnomAD exomes 0.00025 and 0.00051; TOPMed 0.00029; 1000 Genomes Project 30x 0.00031; gnomAD 0.00033 and 0.00035.
gnomAD v4.1: 790 of 1,613,918 alleles (0.049%); highest among the groups gnomAD compares: Non-Finnish European, 0.064%; 3 homozygotes.

Submissions (2):

Blueprint Genetics
Classification: Uncertain significance. Last evaluated: 2024-09-24. Review status: criteria provided, single submitter. Criteria: ACMG Guidelines, 2015. Collection method: clinical testing. Allele origin: germline.

Genetics Department, University Hospital of Toulouse
Classification: Uncertain significance for Colobomatous microphthalmia-rhizomelic dysplasia syndrome. Last evaluated: 2020-11-26. Review status: criteria provided, single submitter. Criteria: ACMG Guidelines, 2015. Collection method: clinical testing. Allele origin: germline. Affected: yes. Observed: 1 variant allele.
Comment: PM1, PM2, PP2